The following is an entry in ClinVar:

NM_023036.6(DNAI2):c.854del (p.Thr285fs)

Gene: DNAI2 (dynein axonemal intermediate chain 2; plus strand). Cytogenetic location: 17q25.1.
Variant type: Deletion.
Coding change: c.854del on transcript NM_023036.6 (MANE Select); coding-DNA position 854, one base deleted (C; older notation c.854delC).
Protein change: p.Thr285fs; shifts the reading frame from threonine 285.
Molecular consequence: frameshift variant. On other transcripts: non-coding transcript variant (1).
Genome position (GRCh38, 1-based): chr17:74,299,847, C deleted. VCF-style (leftmost placement, unchanged base first): chr17-74299846-AC-A. GRCh37 (hg19) VCF-style: chr17-72295985-AC-A.
Other names: c.854del, p.Thr285fs (NM_001172810.3, NM_001353167.2); short protein forms T285fs.
Identifiers: ClinVar variation 5012752 (VCV005012752.1).

ClinVar aggregate classification (germline): Pathogenic (1 of 4 stars; one submission).

Conditions:
Primary ciliary dyskinesia 9. Also called: CILIARY DYSKINESIA, PRIMARY, 9, WITH OR WITHOUT SITUS INVERSUS. Identifiers: Orphanet 244, MedGen C2676235, MONDO:0012906, OMIM 612444.

Submission:

Myriad Genetics, Inc.
Classification: Pathogenic for Primary ciliary dyskinesia 9. Last evaluated: 2024-02-18. Review status: criteria provided, single submitter. Criteria: Myriad Autosomal Dominant, Autosomal Recessive and X-Linked Classification Criteria (2023). Collection method: clinical testing. Allele origin: unknown.
Comment: NM_023036.4(DNAI2):c.854delC(T285Rfs*13) is expected to be pathogenic in the context of primary ciliary dyskinesia, DNAI2-related. This variant is predicted to lead to an abnormal or absent protein product due to the creation of a premature termination codon in DNAI2, a gene where loss-of-function variants are known to be pathogenic. Please note: this variant was assessed in the context of healthy population screening.